The following is an entry in ClinVar:

ClinVar aggregate classification (germline): Uncertain significance (1 of 4 stars; one submission).

gnomAD v4.1: 23 of 1,613,512 alleles (0.0014%); highest among the groups gnomAD compares: Non-Finnish European, 0.0016%; no homozygotes.

Submission:

Labcorp Genetics (formerly Invitae), Labcorp
Classification: Uncertain significance. Last evaluated: 2024-03-12. Review status: criteria provided, single submitter. Criteria: Invitae Variant Classification Sherloc (09022015). Collection method: clinical testing. Allele origin: germline.
Comment: This sequence change replaces arginine, which is basic and polar, with cysteine, which is neutral and slightly polar, at codon 328 of the HGF protein (p.Arg328Cys). This variant is present in population databases (rs754502188, gnomAD 0.004%). This variant has not been reported in the literature in individuals affected with HGF-related conditions. An algorithm developed to predict the effect of missense changes on protein structure and function (PolyPhen-2) suggests that this variant is likely to be disruptive. In summary, the available evidence is currently insufficient to determine the role of this variant in disease. Therefore, it has been classified as a Variant of Uncertain Significance.

NM_000601.6(HGF):c.982C>T (p.Arg328Cys)

Gene: HGF (hepatocyte growth factor; minus strand). Cytogenetic location: 7q21.11.
Variant type: single nucleotide variant.
Coding change: c.982C>T on transcript NM_000601.6 (MANE Select); coding-DNA position 982, C replaced by T.
Protein change: p.Arg328Cys; replaces arginine 328 with cysteine.
Molecular consequence: missense variant.
Genome position (GRCh38, 1-based): chr7:81,729,663, G>A on the plus strand (C>T on the coding strand, the complement: HGF is on the minus strand). VCF-style: chr7-81729663-G-A. GRCh37 (hg19) VCF-style: chr7-81358979-G-A.
Other names: c.967C>T, p.Arg323Cys (NM_001010932.3); short protein forms R328C, R323C.
Identifiers: ClinVar variation 3714653 (VCV003714653.2).
Genomic context (GRCh38, chr7:81,729,663, plus strand): 5'-ACTTGCACTTGAAATTTTCAGGAGTCATGTCATGCTCGTGAGGATACTGAGAATCCCAAC[G>A]CTGACATGGAATTCCATTCCAAATGGTATTGACAGTGCCCCTGTAGCCTTCTCCTTGACC-3'
Protein context (NP_000592.3, residues 318-338): NTIWNGIPCQ[Arg328Cys]WDSQYPHEHD